The following is an entry in ClinVar:

ClinVar aggregate classification (germline): Conflicting classifications of pathogenicity. Review status: criteria provided, conflicting classifications (1 of 4 stars). 2 submissions from 2 submitters: Uncertain significance (1); Likely benign (1). Last evaluated 2024-09-20.

Submissions (2):

Labcorp Genetics (formerly Invitae), Labcorp
Classification: Uncertain significance for Combined immunodeficiency due to DOCK8 deficiency. Last evaluated: 2024-09-20. Review status: criteria provided, single submitter. Criteria: Invitae Variant Classification Sherloc (09022015). Collection method: clinical testing. Allele origin: germline.
Comment: This sequence change falls in intron 45 of the DOCK8 gene. It does not directly change the encoded amino acid sequence of the DOCK8 protein. The frequency data for this variant in the population databases is considered unreliable, as metrics indicate poor data quality at this position in the gnomAD database. This variant has not been reported in the literature in individuals affected with DOCK8-related conditions. ClinVar contains an entry for this variant (Variation ID: 1209557). Experimental studies and prediction algorithms are not available or were not evaluated, and the effect of this variant on mRNA splicing is currently unknown. In summary, the available evidence is currently insufficient to determine the role of this variant in disease. Therefore, it has been classified as a Variant of Uncertain Significance.

GeneDx
Classification: Likely benign. Last evaluated: 2020-11-26. Review status: criteria provided, single submitter. Criteria: GeneDx Variant Classification Process June 2021. Collection method: clinical testing. Allele origin: germline. Affected: yes.

NM_203447.4(DOCK8):c.5962-36_5962-21del

Gene: DOCK8 (dedicator of cytokinesis 8; plus strand). Cytogenetic location: 9p24.3.
Variant type: Deletion.
Coding change: c.5962-36_5962-21del on transcript NM_203447.4 (MANE Select); 36 bases into the intron before coding-DNA position 5962 through 21 bases into the intron before coding-DNA position 5962, 16 bases deleted (ATATTTTTTTTTTTTT).
Molecular consequence: intron variant.
Genome position (GRCh38, 1-based): chr9:451,975-451,990, ATATTTTTTTTTTTTT deleted; deleting any 16 consecutive bases within chr9:451,974-451,990 gives the same sequence; the c. name uses the placement nearest the transcript's 3' end. VCF-style (leftmost placement, unchanged base first): chr9-451973-ATATATTTTTTTTTTTT-A. GRCh37 (hg19) VCF-style: chr9-451973-ATATATTTTTTTTTTTT-A.
Other names: c.5758-36_5758-21del (NM_001193536.2); c.5662-36_5662-21del (NM_001190458.2).
Identifiers: ClinVar variation 1209557 (VCV001209557.4), dbSNP rs757203330, ClinGen allele CA4959604.
Genomic context (GRCh38, chr9:451,973, plus strand): 5'-ATATACATATATATGTATGTGTATATATATATGTGTGTGTGTGTATATATATATATATAT[ATATATTTTTTTTTTTT>A]TTTTTTTTTTTTTCCCACCAGGGACCACTGGAAGTAGCCCAAGTGTTTTTGGCTGAAATT-3'